The following is an entry in ClinVar:

NM_001130987.2(DYSF):c.3407del (p.Gly1136fs)

Gene: DYSF (dysferlin; plus strand). Cytogenetic location: 2p13.2.
Variant type: Deletion.
Coding change: c.3407del on transcript NM_001130987.2 (MANE Select); coding-DNA position 3407, one base deleted (G; older notation c.3407delG).
Protein change: p.Gly1136fs; shifts the reading frame from glycine 1136.
Molecular consequence: frameshift variant.
Genome position (GRCh38, 1-based): chr2:71,589,597, G deleted; the last of 2 consecutive G bases (chr2:71,589,596-71,589,597); deleting either gives the same sequence. VCF-style (leftmost placement, unchanged base first): chr2-71589595-CG-C. GRCh37 (hg19) VCF-style: chr2-71816725-CG-C.
Other names: c.3356del, p.Gly1119fs (NM_001130455.2, NM_001130983.2); c.3311del, p.Gly1104fs (NM_001130976.2, NM_001130977.2); c.3353del, p.Gly1118fs (NM_001130978.2, NM_003494.4); c.3446del, p.Gly1149fs (NM_001130979.2); c.3404del, p.Gly1135fs (NM_001130980.2, NM_001130981.2); c.3449del, p.Gly1150fs (NM_001130982.2); c.3314del, p.Gly1105fs (NM_001130984.2, NM_001130986.2); c.3407del, p.Gly1136fs (NM_001130985.2); short protein forms G1104fs, G1118fs, G1119fs, G1135fs, G1150fs, G1136fs, G1105fs, G1149fs.
Identifiers: ClinVar variation 2112743 (VCV002112743.4), dbSNP rs1346275404, ClinGen allele CA892691685.

ClinVar aggregate classification (germline): Pathogenic (1 of 4 stars; one submission).

Conditions:
Neuromuscular disease caused by qualitative or quantitative defects of dysferlin. Also called: Qualitative or quantitative defects of dysferlin; Dysferlinopathy. Identifiers: Orphanet 207073, MedGen C2931687, MONDO:0016145.

Submission:

Labcorp Genetics (formerly Invitae), Labcorp
Classification: Pathogenic for Neuromuscular disease caused by qualitative or quantitative defects of dysferlin. Last evaluated: 2022-03-15. Review status: criteria provided, single submitter. Criteria: Invitae Variant Classification Sherloc (09022015). Collection method: clinical testing. Allele origin: germline.
Comment: For these reasons, this variant has been classified as Pathogenic. This variant has not been reported in the literature in individuals affected with DYSF-related conditions. This variant is not present in population databases (gnomAD no frequency). This sequence change creates a premature translational stop signal (p.Gly1118Alafs*2) in the DYSF gene. It is expected to result in an absent or disrupted protein product. Loss-of-function variants in DYSF are known to be pathogenic (PMID: 17698709, 20301480).

Literature cited by the submitters: PubMed 17698709; PubMed 20301480.